The following is an entry in ClinVar:

NM_000051.4(ATM):c.8254A>T (p.Ile2752Phe)

Genes: ATM (ATM serine/threonine kinase; plus strand), C11orf65 (chromosome 11 open reading frame 65; minus strand). Cytogenetic location: 11q22.3.
Variant type: single nucleotide variant.
Coding change: c.8254A>T on transcript NM_000051.4 (MANE Select); coding-DNA position 8254, A replaced by T.
Protein change: p.Ile2752Phe; replaces isoleucine 2752 with phenylalanine.
Molecular consequence: missense variant. On other transcripts: intron variant (2).
Genome position (GRCh38, 1-based): chr11:108,335,947, A>T. VCF-style: chr11-108335947-A-T. GRCh37 (hg19) VCF-style: chr11-108206674-A-T.
Other names: c.8254A>T, p.Ile2752Phe (NM_001351834.2); c.641-26876T>A (NM_001330368.2); c.695-655T>A (NM_001351110.2); short protein forms I2752F.
Identifiers: ClinVar variation 2837683 (VCV002837683.3), dbSNP rs1215163673, ClinGen allele CA382562674.

ClinVar aggregate classification (germline): Uncertain significance (1 of 4 stars; one submission).

Conditions:
Ataxia-telangiectasia syndrome (AT). Also called: LOUIS-BAR SYNDROME; Cerebello-oculocutaneous telangiectasia; Immunodeficiency with ataxia telangiectasia; Ataxia telangiectasia (A-T); Ataxia-telangiectasia, complementation group D; AT, COMPLEMENTATION GROUP C. Identifiers: Orphanet 100, MedGen C0004135, MONDO:0008840, OMIM 208900.

Submission:

Labcorp Genetics (formerly Invitae), Labcorp
Classification: Uncertain significance for Ataxia-telangiectasia syndrome. Last evaluated: 2024-01-29. Review status: criteria provided, single submitter. Criteria: Invitae Variant Classification Sherloc (09022015). Collection method: clinical testing. Allele origin: germline.
Comment: This sequence change replaces isoleucine, which is neutral and non-polar, with phenylalanine, which is neutral and non-polar, at codon 2752 of the ATM protein (p.Ile2752Phe). This variant is not present in population databases (gnomAD no frequency). This variant has not been reported in the literature in individuals affected with ATM-related conditions. An algorithm developed to predict the effect of missense changes on protein structure and function (PolyPhen-2) suggests that this variant is likely to be disruptive. In summary, the available evidence is currently insufficient to determine the role of this variant in disease. Therefore, it has been classified as a Variant of Uncertain Significance.